The following is an entry in ClinVar:

ClinVar aggregate classification (germline): Benign (1 of 4 stars; one submission).

Allele frequency attached by ClinVar (database versions not stated): gnomAD 0.00045; 1000 Genomes Project 30x 0.00234; TOPMed 0.00049; 1000 Genomes Project 0.00240.

Submission:

GeneDx
Classification: Benign. Last evaluated: 2015-09-17. Review status: criteria provided, single submitter. Criteria: GeneDx Variant Classification (06012015). Collection method: clinical testing. Allele origin: germline. Affected: yes.
Comment: This variant is considered likely benign or benign based on one or more of the following criteria: it is a conservative change, it occurs at a poorly conserved position in the protein, it is predicted to be benign by multiple in silico algorithms, and/or has population frequency not consistent with disease.

NM_002491.3(NDUFB3):c.-3+316A>G

Gene: NDUFB3 (NADH:ubiquinone oxidoreductase subunit B3; plus strand). Cytogenetic location: 2q33.1.
Variant type: single nucleotide variant.
Coding change: c.-3+316A>G on transcript NM_002491.3 (MANE Select); 316 bases into the intron after 3 bases upstream of the start codon, A replaced by G.
Molecular consequence: intron variant.
Genome position (GRCh38, 1-based): chr2:201,072,375, A>G. VCF-style: chr2-201072375-A-G. GRCh37 (hg19) VCF-style: chr2-201937098-A-G.
Other names: c.-3+14A>G (NM_001257102.2).
Identifiers: ClinVar variation 378250 (VCV000378250.1), dbSNP rs539378055, ClinGen allele CA16604016.